The following is an entry in ClinVar:

ClinVar aggregate classification (germline): Uncertain significance. Review status: reviewed by expert panel (3 of 4 stars). 2 submissions from 2 submitters: Uncertain significance (1). 1 of the submissions does not count toward it. Last evaluated 2026-08-18.

Conditions:
Alexander disease (ALXDRD). Also called: Alexander's disease. Identifiers: Orphanet 58, MedGen C0270726, MONDO:0008752, OMIM 203450.

Submissions (2):

ClinGen Leukodystrophy and Leukoencephalopathy Variant Curation Expert Panel, ClinGen
Classification: Uncertain significance for Alexander disease. Last evaluated: 2026-08-18. Review status: reviewed by expert panel. Criteria: ClinGen Leuko ACMG Specifications GFAP V1.0. Collection method: curation. Allele origin: germline. Inheritance: Autosomal dominant inheritance.
Comment: The NM_002055.5(GFAP):c.223G>A, variant in GFAP is a missense variant predicited to cause a substitution of glutamic acid by lysine at amino acid 290 (p.Glu75Lys). This variant is absent from gnomAD v[4.1.1] (PM2_Supporting). This variant resides within a region, amino acids 59 - 88, of GFAP that is defined as a region with significant missense constraint by the ClinGen Leukodystrophy and Leukoencephalopathy Expert Panel Specifications to the ACMG/AMP Variant Interpretation Guidelines for GFAP Version 1.0.0 (PM1). In summary, this variant meets the criteria to be classified as variant of uncertain significance based on the lack of ACMG/AMP criteria applied, as specified by the ClinGen Leukodystrophy and Leukoencephalopathy VCEP: PM2_Supporting, PM1 (ClinGen Leukodystrophy and Leukoencephalopathy VCEP Specifications Version 1.0.0).

Victorian Clinical Genetics Services, Murdoch Childrens Research Institute
Classification: Uncertain significance for Alexander disease. Last evaluated: 2024-09-20. Review status: criteria provided, single submitter. Criteria: ACMG Guidelines, 2015. Collection method: clinical testing. Allele origin: germline. Inheritance: Autosomal dominant inheritance. Affected: yes. Not counted in ClinVar's aggregate classification.
Comment: Based on the classification scheme VCGS_Germline_v1.3.4, this variant is classified as VUS-3A. Following criteria are met: 0103 - Dominant negative and gain of function are suggested as mechanisms of disease in this gene and are associated with Alexander disease (MIM#203450). Functional studies have demonstrated both dominant negative and gain of function are possible mechanisms of disease, however, the latter is the most widely accepted mechanism (OMIM, PMIDs: 11138011, 30355500, 31484723). (I) 0107 - This gene is associated with autosomal dominant disease. (I) 0115 - Variants in this gene are known to have variable expressivity (PMID: 20301351). (I) 0200 - Variant is predicted to result in a missense amino acid change from glutamic acid to lysine. (I) 0251 - This variant is heterozygous. (I) 0301 - Variant is absent from gnomAD (both v2 and v3). (SP) 0503 - Missense variant consistently predicted to be tolerated by multiple in silico tools or not conserved in placental mammals with a minor amino acid change. (SB) 0602 - Variant is located in a hotspot region or cluster of pathogenic variants (DECIPHER). (SP) 0705 - No comparable missense variants have previous evidence for pathogenicity. (I) 0802 - This variant has moderate previous evidence of pathogenicity in unrelated individuals. This variant has been reported as de novo in an individual with Alexander disease (PMID: 34950187). (SP) 0905 - No published segregation evidence has been identified for this variant. (I) 1007 - No published functional evidence has been identified for this variant. (I) 1101 - Very strong and specific phenotype match for this individual. (SP) 1208 - Inheritance information for this variant is not currently available in this individual. (I) Legend: (SP) - Supporting pathogenic, (I) - Information, (SB) - Supporting benign

Literature cited by the submitters: PubMed 11138011 (cited by Victorian Clinical Genetics Services, Murdoch Childrens Research Institute); PubMed 20301351 (cited by Victorian Clinical Genetics Services, Murdoch Childrens Research Institute); PubMed 30355500 (cited by Victorian Clinical Genetics Services, Murdoch Childrens Research Institute); PubMed 31484723 (cited by Victorian Clinical Genetics Services, Murdoch Childrens Research Institute); PubMed 34950187 (cited by Victorian Clinical Genetics Services, Murdoch Childrens Research Institute).

NM_002055.5(GFAP):c.223G>A (p.Glu75Lys)

Gene: GFAP (glial fibrillary acidic protein; minus strand). Cytogenetic location: 17q21.31.
Variant type: single nucleotide variant.
Coding change: c.223G>A on transcript NM_002055.5 (MANE Select); coding-DNA position 223, G replaced by A.
Protein change: p.Glu75Lys; replaces glutamic acid 75 with lysine.
Molecular consequence: missense variant.
Genome position (GRCh38, 1-based): chr17:44,915,264, C>T on the plus strand (G>A on the coding strand, the complement: GFAP is on the minus strand). VCF-style: chr17-44915264-C-T. GRCh37 (hg19) VCF-style: chr17-42992632-C-T.
Other names: NM_002055.5(GFAP):c.223G>A; p.Glu75Lys; c.223G>A, p.Glu75Lys (NM_001131019.3, NM_001242376.3, NM_001363846.2); short protein forms E75K.
Identifiers: ClinVar variation 3254989 (VCV003254989.3), dbSNP rs2508949834.